The following is an entry in ClinVar:

NM_203475.3(PORCN):c.1079_1081dup (p.Val360dup)

Gene: PORCN (porcupine O-acyltransferase; plus strand). Cytogenetic location: Xp11.23.
Variant type: Duplication.
Coding change: c.1079_1081dup on transcript NM_203475.3 (MANE Select); coding-DNA positions 1079 to 1081, 3 bases duplicated (TGG; older notation c.1079_1081dupTGG).
Protein change: p.Val360dup; duplicates valine 360.
Molecular consequence: inframe insertion.
Genome position (GRCh38, 1-based): chrX:48,515,945-48,515,947, TGG duplicated; duplicating any 3 consecutive bases within chrX:48,515,944-48,515,947 gives the same sequence; the c. name uses the placement nearest the transcript's 3' end. VCF-style (leftmost placement, unchanged base first): chrX-48515943-C-CGTG. GRCh37 (hg19) VCF-style: chrX-48374331-C-CGTG.
Other names: c.833_835dup, p.Val278dup (NM_001282167.2); c.1046_1048dup, p.Val349dup (NM_022825.4); c.1064_1066dup, p.Val355dup (NM_203473.3); c.1061_1063dup, p.Val354dup (NM_203474.1).
Identifiers: ClinVar variation 426605 (VCV000426605.2), dbSNP rs1085307706, ClinGen allele CA645293928.
Genomic context (GRCh38, chrX:48,515,943, plus strand): 5'-CCCCCAGGGCTTCAGTTTCCACCTGGCTGCGGTCCTGCTGTCCCTGGCTTTTATCACTTA[C>CGTG]GTGGAGCATGGTGAGTGCAGGGCCCAGCCCAGCCGTTGGATAGAAGGTTGGTGGGGGGGC-3'

ClinVar aggregate classification (germline): Likely pathogenic (1 of 4 stars; one submission).

Submission:

GeneDx
Classification: Likely pathogenic. Last evaluated: 2017-05-08. Review status: criteria provided, single submitter. Criteria: GeneDx Variant Classification (06012015). Collection method: clinical testing. Allele origin: germline. Affected: yes.
Comment: The c.1079_1081dupTGG variant in the PORCN gene has not been reported previously as a pathogenic variant nor as a benign variant, to our knowledge. The c.1079_1081dupTGG variant causes an in-frame duplication of the Valine codon at residue 360, denoted p.Val360dup. The c.1079_1081dupTGG variant is not observed in large population cohorts (Lek et al., 2016; 1000 Genomes Consortium et al., 2015; Exome Variant Server). We interpret c.1079_1081dupTGG as a likely pathogenic variant.